The following is an entry in ClinVar:

NM_000717.5(CA4):c.925G>A (p.Gly309Ser)

Gene: CA4 (carbonic anhydrase 4; plus strand). Cytogenetic location: 17q23.1.
Variant type: single nucleotide variant.
Coding change: c.925G>A on transcript NM_000717.5 (MANE Select); coding-DNA position 925, G replaced by A.
Protein change: p.Gly309Ser; replaces glycine 309 with serine.
Molecular consequence: missense variant. On other transcripts: non-coding transcript variant (1).
Genome position (GRCh38, 1-based): chr17:60,159,410, G>A. VCF-style: chr17-60159410-G-A. GRCh37 (hg19) VCF-style: chr17-58236771-G-A.
Other names: short protein forms G309S.
Identifiers: ClinVar variation 2077513 (VCV002077513.4), dbSNP rs1258416074, ClinGen allele CA400460837.
Genomic context (GRCh38, chr17:60,159,410, plus strand): 5'-CGGCCGCTGCCCTGGGCCCTGCCTGCCCTGCTGGGCCCCATGCTGGCCTGCCTGCTGGCC[G>A]GCTTCCTGCGATGATGGCTCACTTCTGCACGCAGCCTCTCTGTTGCCTCAGCTCTCCAAG-3'
Protein context (NP_000708.1, residues 299-312): LGPMLACLLA[Gly309Ser]FLR

ClinVar aggregate classification (germline): Uncertain significance (1 of 4 stars; one submission).

Allele frequency attached by ClinVar (database versions not stated): gnomAD 0.00001; gnomAD exomes 0.00001; TOPMed 0.00001.
gnomAD v4.1: 19 of 1,611,692 alleles (0.0012%); highest among the groups gnomAD compares: Middle Eastern, 0.035%; no homozygotes.

Submission:

Labcorp Genetics (formerly Invitae), Labcorp
Classification: Uncertain significance. Last evaluated: 2024-07-31. Review status: criteria provided, single submitter. Criteria: Invitae Variant Classification Sherloc (09022015). Collection method: clinical testing. Allele origin: germline.
Comment: This sequence change replaces glycine, which is neutral and non-polar, with serine, which is neutral and polar, at codon 309 of the CA4 protein (p.Gly309Ser). This variant is present in population databases (no rsID available, gnomAD 0.006%). This variant has not been reported in the literature in individuals affected with CA4-related conditions. ClinVar contains an entry for this variant (Variation ID: 2077513). An algorithm developed to predict the effect of missense changes on protein structure and function outputs the following: PolyPhen-2: "Not Available". The serine amino acid residue is found in multiple mammalian species, which suggests that this missense change does not adversely affect protein function. In summary, the available evidence is currently insufficient to determine the role of this variant in disease. Therefore, it has been classified as a Variant of Uncertain Significance.